The following is an entry in ClinVar:

ClinVar aggregate classification (germline): Pathogenic/Likely pathogenic. Review status: criteria provided, multiple submitters, no conflicts (2 of 4 stars). 2 submissions from 2 submitters: Pathogenic (1); Likely pathogenic (1). Last evaluated 2026-03-11.

Conditions:
Ehlers-Danlos syndrome, classic type, 1 (EDSCL1). Also called: EHLERS-DANLOS SYNDROME, GRAVIS TYPE; EHLERS-DANLOS SYNDROME, SEVERE CLASSIC TYPE; Ehlers-Danlos syndrome, type 1; Ehlers-Danlos Syndrome, Classic Type, COL5A1-Related; EDS I. Identifiers: MedGen C0268335, MONDO:0019567, OMIM 130000.
Fibromuscular dysplasia, multifocal. Identifiers: MedGen C5543412, MONDO:0859151, OMIM 619329.

Submissions (2):

Kasturba Medical College, Manipal, Kasturba Medical College, Manipal, Manipal Academy of Higher Education, Manipal, India
Classification: Likely pathogenic for Ehlers-Danlos syndrome, classic type, 1. Last evaluated: 2026-03-11. Review status: criteria provided, single submitter. Criteria: ACMG Guidelines, 2015. Collection method: research. Allele origin: unknown. Inheritance: Autosomal dominant inheritance. Affected: yes. Observed: 1 variant allele, 1 heterozygote.
Comment: This variant is absent in homozygous and/or heterozygous state in gnomAD (V4.1.0) population database and in our in-house data of 3928 exomes. This frameshift deletion likely causes shift in the reading frame of the transcript and introduces a premature termination codon. This may either result in the formation of a truncated protein product or trigger nonsense-mediated mRNA decay. This variant has been reported as pathogenic in ClinVar by one submitter (ClinVar ID: VCV003382097.2).

Juno Genomics, Hangzhou Juno Genomics, Inc
Classification: Pathogenic for Ehlers-Danlos syndrome, classic type, 1; Fibromuscular dysplasia, multifocal. Review status: criteria provided, single submitter. Criteria: ACMG Guidelines, 2015. Collection method: clinical testing. Allele origin: germline. Affected: yes.
Comment: Absent from controls (or at extremely low frequency if recessive) in Genome Aggregation Database, Exome Sequencing Project, 1000 Genomes Project, or Exome Aggregation Consortium.;Null variant in a gene where loss of function (LOF) is a known mechanism of disease.;Patient's phenotype or family history is highly specific for a disease with a single genetic etiology.

NM_000093.5(COL5A1):c.1269del (p.Thr424fs)

Gene: COL5A1 (collagen type V alpha 1 chain; plus strand). Cytogenetic location: 9q34.3.
Variant type: Deletion.
Coding change: c.1269del on transcript NM_000093.5 (MANE Select); coding-DNA position 1269, one base deleted (C; older notation c.1269delC).
Protein change: p.Thr424fs; shifts the reading frame from threonine 424.
Molecular consequence: frameshift variant.
Genome position (GRCh38, 1-based): chr9:134,731,600, C deleted; the last of 4 consecutive C bases (chr9:134,731,597-134,731,600); deleting any one gives the same sequence. VCF-style (leftmost placement, unchanged base first): chr9-134731596-AC-A. GRCh37 (hg19) VCF-style: chr9-137623442-AC-A.
Other names: c.1269del, p.Thr424fs (NM_001278074.1); short protein forms T424fs.
Identifiers: ClinVar variation 3382097 (VCV003382097.3).
Genomic context (GRCh38, chr9:134,731,596, plus strand): 5'-GGGAGTTCACTGAGGAAACGATCCGGAACCTTGACGAGAACTACTACGACCCCTACTACG[AC>A]CCCACCAGCTCCCCGTCGGAGATCGGGCCGGGAATGCCGGCGAACCAGGATACCATCTAT-3'